The following is an entry in ClinVar:

NM_001164688.2(RD3):c.559C>G (p.Pro187Ala)

Gene: RD3 (RD3 regulator of GUCY2D; minus strand). Cytogenetic location: 1q32.3.
Variant type: single nucleotide variant.
Coding change: c.559C>G on transcript NM_001164688.2 (MANE Select); coding-DNA position 559, C replaced by G.
Protein change: p.Pro187Ala; replaces proline 187 with alanine.
Molecular consequence: missense variant.
Genome position (GRCh38, 1-based): chr1:211,479,065, G>C on the plus strand (C>G on the coding strand, the complement: RD3 is on the minus strand). VCF-style: chr1-211479065-G-C. GRCh37 (hg19) VCF-style: chr1-211652407-G-C.
Other names: c.559C>G, p.Pro187Ala (NM_183059.3); short protein forms P187A.
Identifiers: ClinVar variation 1406305 (VCV001406305.8), dbSNP rs1051185578, ClinGen allele CA344878578.

ClinVar aggregate classification (germline): Uncertain significance (1 of 4 stars; one submission).

Conditions:
Leber congenital amaurosis 12 (LCA12). Identifiers: Orphanet 65, MedGen C1857743, MONDO:0012525, OMIM 610612.

Allele frequency attached by ClinVar (database versions not stated): TOPMed 0.00001.
gnomAD v4.1: 8 of 1,605,208 alleles (0.0005%); highest among the groups gnomAD compares: Non-Finnish European, 0.0006%; no homozygotes.

Submission:

Labcorp Genetics (formerly Invitae), Labcorp
Classification: Uncertain significance for Leber congenital amaurosis 12. Last evaluated: 2022-07-12. Review status: criteria provided, single submitter. Criteria: Invitae Variant Classification Sherloc (09022015). Collection method: clinical testing. Allele origin: germline.
Comment: This sequence change replaces proline, which is neutral and non-polar, with alanine, which is neutral and non-polar, at codon 187 of the RD3 protein (p.Pro187Ala). This variant is not present in population databases (gnomAD no frequency). This variant has not been reported in the literature in individuals affected with RD3-related conditions. ClinVar contains an entry for this variant (Variation ID: 1406305). Algorithms developed to predict the effect of missense changes on protein structure and function (SIFT, PolyPhen-2, Align-GVGD) all suggest that this variant is likely to be disruptive. In summary, the available evidence is currently insufficient to determine the role of this variant in disease. Therefore, it has been classified as a Variant of Uncertain Significance.